The following is an entry in ClinVar:

NM_004187.5(KDM5C):c.2114G>A (p.Arg705His)

Gene: KDM5C (lysine demethylase 5C; minus strand). Cytogenetic location: Xp11.22.
Variant type: single nucleotide variant.
Coding change: c.2114G>A on transcript NM_004187.5 (MANE Select); coding-DNA position 2114, G replaced by A.
Protein change: p.Arg705His; replaces arginine 705 with histidine.
Molecular consequence: missense variant. On other transcripts: non-coding transcript variant (3).
Genome position (GRCh38, 1-based): chrX:53,199,106, C>T on the plus strand (G>A on the coding strand, the complement: KDM5C is on the minus strand). VCF-style: chrX-53199106-C-T. GRCh37 (hg19) VCF-style: chrX-53228288-C-T.
Other names: c.2114G>A (NM_004187.2); c.1913G>A, p.Arg638His (NM_001146702.2); c.2111G>A, p.Arg704His (NM_001282622.3, NM_001353979.2, NM_001353982.2); c.2114G>A, p.Arg705His (NM_001353978.3, NM_001353981.2, NM_001353984.2); short protein forms R705H, R704H, R638H.
Identifiers: ClinVar variation 592134 (VCV000592134.4), dbSNP rs1569264240, ClinGen allele CA413120510.

ClinVar aggregate classification (germline): Pathogenic/Likely pathogenic. Review status: criteria provided, multiple submitters, no conflicts (2 of 4 stars). 3 submissions from 3 submitters: Pathogenic (1); Likely pathogenic (1). 1 of the submissions does not count toward it. Last evaluated 2026-07-16.

Conditions:
Intellectual developmental disorder, X-linked, syndromic, Claes-Jensen type. Also called: INTELLECTUAL DEVELOPMENTAL DISORDER, X-LINKED, SYNDROMIC 16; MENTAL RETARDATION, X-LINKED, SYNDROMIC 16; Syndromic X-linked intellectual disability Claes-Jensen type. Identifiers: Orphanet 85279, MedGen C1845243, MONDO:0010355, OMIM 300534.

Submissions (3):

Victorian Clinical Genetics Services, Murdoch Childrens Research Institute
Classification: Likely pathogenic for Intellectual developmental disorder, X-linked, syndromic, Claes-Jensen type. Last evaluated: 2026-07-16. Review status: criteria provided, single submitter. Criteria: ACMG Guidelines, 2015. Collection method: clinical testing. Allele origin: germline. Affected: yes.
Comment: This variant is classified as Likely pathogenic. Evidence in support of pathogenic classification: Variant is absent from gnomAD (v2, v3 and v4); Another missense variant comparable to the one identified in this case has moderate previous evidence for pathogenicity. The p.(Arg705Cys) variant has been classified as likely pathogenic by one clinical laboratory in ClinVar, and reported in a hemizygous state in affected males (DECIPHER); Missense variant in a region that is highly intolerant to missense variation (high constraint region in DECIPHER); Missense variant predicted to be damaging by in silico tool(s) or highly conserved with a major amino acid change; Very strong and specific phenotype match for this individual. Additional information: Variant is predicted to result in a missense amino acid change from Arg to His; This variant is hemizygous; This gene is associated with X-linked disease. Females with heterozygous familial variants have been reported to be mildly affected, while females with de novo heterozygous variants tend to be syndromic and more severely affected (PMIDs: 32279304, 36553533); Previous evidence of pathogenicity for this variant is inconclusive. This variant has been classified as a VUS by one clinical laboratory in ClinVar, and reported in the literature as likely pathogenic in a cohort of individuals with neurodevelopmental disorder (PMID: 36937954); No published evidence of segregation with disease has been identified for this variant; No published functional evidence has been identified for this variant; Loss of function is a known mechanism of disease in this gene and is associated with intellectual developmental disorder, X-linked syndromic, Claes-Jensen type (MIM#300534); Variants in this gene are known to have variable expressivity. Intrafamilial and interfamilial variability have been reported (PMID: 16541399).

GeneDx
Classification: Pathogenic. Last evaluated: 2026-03-26. Review status: criteria provided, single submitter. Criteria: GeneDx Variant Classification Process June 2021. Collection method: clinical testing. Allele origin: germline.
Comment: Identified in an individual from a cohort of patients with neurodevelopmental disorders (PMID: 36937954); Not observed at significant frequency in large population cohorts (gnomAD); In silico analysis supports that this missense variant has a deleterious effect on protein structure/function; This variant is associated with the following publications: (PMID: 36937954)

Biochemical Molecular Genetic Laboratory, King Abdulaziz Medical City
Classification: Uncertain significance for Intellectual developmental disorder, X-linked, syndromic, Claes-Jensen type. Last evaluated: 2018-07-18. Review status: no assertion criteria provided. Collection method: clinical testing. Allele origin: germline. Affected: yes. Not counted in ClinVar's aggregate classification.

Literature cited by the submitters: PubMed 32279304 (cited by Victorian Clinical Genetics Services, Murdoch Childrens Research Institute); PubMed 36937954 (cited by Victorian Clinical Genetics Services, Murdoch Childrens Research Institute); PubMed 16541399 (cited by Victorian Clinical Genetics Services, Murdoch Childrens Research Institute); PubMed 36553533 (cited by Victorian Clinical Genetics Services, Murdoch Childrens Research Institute).